The following is an entry in ClinVar:

ClinVar aggregate classification (germline): Uncertain significance (1 of 4 stars; one submission).

gnomAD v4.1: 29 of 1,612,700 alleles (0.0018%); highest among the groups gnomAD compares: Non-Finnish European, 0.0023%; no homozygotes.

Submission:

Mayo Clinic Laboratories, Mayo Clinic
Classification: Uncertain significance. Last evaluated: 2025-10-19. Review status: criteria provided, single submitter. Criteria: ACMG Guidelines, 2015. Collection method: clinical testing. Allele origin: germline. Observed: 1 variant allele.
Comment: PM2_supporting

NM_020821.3(VPS13C):c.9107A>G (p.Asp3036Gly)

Gene: VPS13C (vacuolar protein sorting 13 homolog C; minus strand). Cytogenetic location: 15q22.2.
Variant type: single nucleotide variant.
Coding change: c.9107A>G on transcript NM_020821.3 (MANE Select); coding-DNA position 9107, A replaced by G.
Protein change: p.Asp3036Gly; replaces aspartic acid 3036 with glycine.
Molecular consequence: missense variant.
Genome position (GRCh38, 1-based): chr15:61,890,399, T>C on the plus strand (A>G on the coding strand, the complement: VPS13C is on the minus strand). VCF-style: chr15-61890399-T-C. GRCh37 (hg19) VCF-style: chr15-62182598-T-C.
Other names: p.Asp3036Gly; c.9107A>G, p.Asp3036Gly (NM_001018088.3); c.8978A>G, p.Asp2993Gly (NM_017684.5, NM_018080.4); short protein forms D2993G, D3036G.
Identifiers: ClinVar variation 4541956 (VCV004541956.1).